The following is an entry in ClinVar:

ClinVar aggregate classification (germline): Uncertain significance (1 of 4 stars; one submission).

Conditions:
Charcot-Marie-Tooth disease axonal type 2O. Also called: Charcot-Marie-Tooth disease, axonal, type 20; CHARCOT-MARIE-TOOTH NEUROPATHY, AXONAL, TYPE 2O; CHARCOT-MARIE-TOOTH DISEASE, AXONAL, AUTOSOMAL DOMINANT, TYPE 2O; Charcot-Marie-Tooth Neuropathy Type 2O. Identifiers: Orphanet 284232, MedGen C3280220, MONDO:0013644, OMIM 614228.

Allele frequency attached by ClinVar (database versions not stated): gnomAD exomes below 0.00001; gnomAD 0.00002; TOPMed 0.00003.
gnomAD v4.1: 3 of 1,614,030 alleles (0.00019%); highest among the groups gnomAD compares: African/African-American, 0.004%; no homozygotes.

Submission:

Labcorp Genetics (formerly Invitae), Labcorp
Classification: Uncertain significance for Charcot-Marie-Tooth disease axonal type 2O. Last evaluated: 2023-11-24. Review status: criteria provided, single submitter. Criteria: Invitae Variant Classification Sherloc (09022015). Collection method: clinical testing. Allele origin: germline.
Comment: This sequence change replaces alanine, which is neutral and non-polar, with threonine, which is neutral and polar, at codon 455 of the DYNC1H1 protein (p.Ala455Thr). This variant is present in population databases (no rsID available, gnomAD 0.007%). This variant has not been reported in the literature in individuals affected with DYNC1H1-related conditions. ClinVar contains an entry for this variant (Variation ID: 1438319). Advanced modeling of protein sequence and biophysical properties (such as structural, functional, and spatial information, amino acid conservation, physicochemical variation, residue mobility, and thermodynamic stability) has been performed at Invitae for this missense variant, however the output from this modeling did not meet the statistical confidence thresholds required to predict the impact of this variant on DYNC1H1 protein function. In summary, the available evidence is currently insufficient to determine the role of this variant in disease. Therefore, it has been classified as a Variant of Uncertain Significance.

NM_001376.5(DYNC1H1):c.1363G>A (p.Ala455Thr)

Gene: DYNC1H1 (dynein cytoplasmic 1 heavy chain 1; plus strand). Cytogenetic location: 14q32.31.
Variant type: single nucleotide variant.
Coding change: c.1363G>A on transcript NM_001376.5 (MANE Select); coding-DNA position 1363, G replaced by A.
Protein change: p.Ala455Thr; replaces alanine 455 with threonine.
Molecular consequence: missense variant.
Genome position (GRCh38, 1-based): chr14:101,983,511, G>A. VCF-style: chr14-101983511-G-A. GRCh37 (hg19) VCF-style: chr14-102449848-G-A.
Other names: short protein forms A455T.
Identifiers: ClinVar variation 1438319 (VCV001438319.8), dbSNP rs1247065537, ClinGen allele CA391015552.
Genomic context (GRCh38, chr14:101,983,511, plus strand): 5'-AGAGACATCGTCAAAAGAAAAAGGGAAGAAAATCTGAAGATGGTGTGGCGTATCAACCCT[G>A]CCCACAGGAAGCTGCAGGCCCGCCTTGACCAGATGAGAAAATTTAGACGCCAGCATGAAC-3'
Protein context (NP_001367.2, residues 445-465): NLKMVWRINP[Ala455Thr]HRKLQARLDQ